The following is an entry in ClinVar:

ClinVar aggregate classification (germline): Uncertain significance (1 of 4 stars; one submission).

Conditions:
Inborn genetic diseases. Identifiers: MedGen C0950123, MeSH D030342.

gnomAD v4.1: 1 of 1,592,180 alleles (0.000063%); highest among the groups gnomAD compares: Non-Finnish European, 0.000085%; no homozygotes.

Submission:

Ambry Genetics
Classification: Uncertain significance for Inborn genetic diseases. Last evaluated: 2025-08-10. Review status: criteria provided, single submitter. Criteria: Ambry Variant Classification Scheme 2023. Collection method: clinical testing. Allele origin: germline.
Comment: The p.S1276T variant (also known as c.3826T>A), located in coding exon 34 of the RTEL1 gene, results from a T to A substitution at nucleotide position 3826. The serine at codon 1276 is replaced by threonine, an amino acid with similar properties. This amino acid position is conserved. In addition, the in silico prediction for this alteration is inconclusive. Based on the available evidence, the clinical significance of this variant remains unclear.

NM_001283009.2(RTEL1):c.3826T>A (p.Ser1276Thr)

Genes: RTEL1 (regulator of telomere elongation helicase 1; plus strand), RTEL1-TNFRSF6B (RTEL1-TNFRSF6B readthrough (NMD candidate); plus strand). Cytogenetic location: 20q13.33.
Variant type: single nucleotide variant.
Coding change: c.3826T>A on transcript NM_001283009.2 (MANE Select); coding-DNA position 3826, T replaced by A.
Protein change: p.Ser1276Thr; replaces serine 1276 with threonine.
Molecular consequence: missense variant. On other transcripts: non-coding transcript variant (1).
Genome position (GRCh38, 1-based): chr20:63,695,781, T>A. VCF-style: chr20-63695781-T-A. GRCh37 (hg19) VCF-style: chr20-62327134-T-A.
Other names: c.2987T>A, p.Leu996His (NM_001283010.1); c.3656T>A, p.Leu1219His (NM_016434.4); c.3728T>A, p.Leu1243His (NM_032957.5); short protein forms L1243H, L1219H, S1276T, L996H.
Identifiers: ClinVar variation 4157652 (VCV004157652.1).
Genomic context (GRCh38, chr20:63,695,781, plus strand): 5'-CCCTTGTCCTGGTGGCAACGCCTGGCAGACGTGTGCAGTGGGCCGGTTGTCTCACAGGCC[T>A]CTAGGATGTGCCCAGCCTGCCACACCGCCTCCAGGAAGCAGAGCGTCATGCAGGTCTTCT-3'
Protein context (NP_001269938.1, residues 1266-1286): QACWQRHLQA[Ser1276Thr]RMCPACHTAS